The following is an entry in ClinVar:

NM_001006630.2(CHRM2):c.1080T>G (p.Ile360Met)

Genes: CHRM2 (cholinergic receptor muscarinic 2; plus strand), LOC349160 (uncharacterized LOC349160; minus strand). Cytogenetic location: 7q33.
Variant type: single nucleotide variant.
Coding change: c.1080T>G on transcript NM_001006630.2 (MANE Select); coding-DNA position 1080, T replaced by G.
Protein change: p.Ile360Met; replaces isoleucine 360 with methionine.
Molecular consequence: missense variant.
Genome position (GRCh38, 1-based): chr7:137,015,945, T>G. VCF-style: chr7-137015945-T-G. GRCh37 (hg19) VCF-style: chr7-136700692-T-G.
Other names: c.1080T>G, p.Ile360Met (NM_000739.3, NM_001006626.3, NM_001006627.3 and 6 more transcripts); short protein forms I360M.
Identifiers: ClinVar variation 4791408 (VCV004791408.1).

ClinVar aggregate classification (germline): Uncertain significance (1 of 4 stars; one submission).

gnomAD v4.1: 14 of 1,613,068 alleles (0.00087%); highest among the groups gnomAD compares: Non-Finnish European, 0.0012%; no homozygotes.

Submission:

Labcorp Genetics (formerly Invitae), Labcorp
Classification: Uncertain significance. Last evaluated: 2025-12-24. Review status: criteria provided, single submitter. Criteria: Invitae Variant Classification Sherloc (09022015). Collection method: clinical testing. Allele origin: germline.
Comment: This sequence change replaces isoleucine, which is neutral and non-polar, with methionine, which is neutral and non-polar, at codon 360 of the CHRM2 protein (p.Ile360Met). This variant is present in population databases (no rsID available, gnomAD 0.0009%). This variant has not been reported in the literature in individuals affected with CHRM2-related conditions. An algorithm developed to predict the effect of missense changes on protein structure and function outputs the following: PolyPhen-2: "Benign". The methionine amino acid residue is found in multiple mammalian species, which suggests that this missense change does not adversely affect protein function. In summary, the available evidence is currently insufficient to determine the role of this variant in disease. Therefore, it has been classified as a Variant of Uncertain Significance.